The following is an entry in ClinVar:

NM_004958.4(MTOR):c.7407G>C (p.Lys2469Asn)

Gene: MTOR (mechanistic target of rapamycin kinase; minus strand). Cytogenetic location: 1p36.22.
Variant type: single nucleotide variant.
Coding change: c.7407G>C on transcript NM_004958.4 (MANE Select); coding-DNA position 7407, G replaced by C.
Protein change: p.Lys2469Asn; replaces lysine 2469 with asparagine.
Molecular consequence: missense variant.
Genome position (GRCh38, 1-based): chr1:11,109,689, C>G on the plus strand (G>C on the coding strand, the complement: MTOR is on the minus strand). VCF-style: chr1-11109689-C-G. GRCh37 (hg19) VCF-style: chr1-11169746-C-G.
Other names: c.7407G>C, p.Lys2469Asn (NM_001386500.1); c.6159G>C, p.Lys2053Asn (NM_001386501.1); short protein forms K2053N, K2469N.
Identifiers: ClinVar variation 3633466 (VCV003633466.2).

ClinVar aggregate classification (germline): Uncertain significance (1 of 4 stars; one submission).

Submission:

Labcorp Genetics (formerly Invitae), Labcorp
Classification: Uncertain significance. Last evaluated: 2024-02-12. Review status: criteria provided, single submitter. Criteria: Invitae Variant Classification Sherloc (09022015). Collection method: clinical testing. Allele origin: germline.
Comment: This sequence change replaces lysine, which is basic and polar, with asparagine, which is neutral and polar, at codon 2469 of the MTOR protein (p.Lys2469Asn). This variant is not present in population databases (gnomAD no frequency). This variant has not been reported in the literature in individuals affected with MTOR-related conditions. Advanced modeling of protein sequence and biophysical properties (such as structural, functional, and spatial information, amino acid conservation, physicochemical variation, residue mobility, and thermodynamic stability) performed at Invitae indicates that this missense variant is not expected to disrupt MTOR protein function with a negative predictive value of 95%. In summary, the available evidence is currently insufficient to determine the role of this variant in disease. Therefore, it has been classified as a Variant of Uncertain Significance.